The following is an entry in ClinVar:

NM_020745.4(AARS2):c.244-7C>T

Gene: AARS2 (alanyl-tRNA synthetase 2, mitochondrial; minus strand). Cytogenetic location: 6p21.1.
Variant type: single nucleotide variant.
Coding change: c.244-7C>T on transcript NM_020745.4 (MANE Select); 7 bases into the intron before coding-DNA position 244, C replaced by T.
Molecular consequence: intron variant.
Genome position (GRCh38, 1-based): chr6:44,312,270, G>A on the plus strand (C>T on the coding strand, the complement: AARS2 is on the minus strand). VCF-style: chr6-44312270-G-A. GRCh37 (hg19) VCF-style: chr6-44280007-G-A.
Identifiers: ClinVar variation 508834 (VCV000508834.6), dbSNP rs200662122, ClinGen allele CA3834699.

ClinVar aggregate classification (germline): Likely benign. Review status: criteria provided, multiple submitters, no conflicts (2 of 4 stars). 2 submissions from 2 submitters: Likely benign (2). Last evaluated 2022-10-15.

Allele frequency attached by ClinVar (database versions not stated): TOPMed 0.00002; gnomAD exomes 0.00003 and 0.00005; ExAC 0.00004; gnomAD 0.00004; ESP Exome Variant Server 0.00015; 1000 Genomes Project 30x 0.00016; 1000 Genomes Project 0.00020.
gnomAD v4.1: 79 of 1,613,230 alleles (0.0049%); highest among the groups gnomAD compares: Non-Finnish European, 0.0067%; no homozygotes.

Submissions (2):

Labcorp Genetics (formerly Invitae), Labcorp
Classification: Likely benign. Last evaluated: 2022-10-15. Review status: criteria provided, single submitter. Criteria: Invitae Variant Classification Sherloc (09022015). Collection method: clinical testing. Allele origin: germline.

GeneDx
Classification: Likely benign. Last evaluated: 2017-04-21. Review status: criteria provided, single submitter. Criteria: GeneDx Variant Classification (06012015). Collection method: clinical testing. Allele origin: germline. Affected: yes.
Comment: This variant is considered likely benign or benign based on one or more of the following criteria: it is a conservative change, it occurs at a poorly conserved position in the protein, it is predicted to be benign by multiple in silico algorithms, and/or has population frequency not consistent with disease.